The following is an entry in ClinVar:

ClinVar aggregate classification (germline): Pathogenic. Review status: criteria provided, multiple submitters, no conflicts (2 of 4 stars). 4 submissions from 3 submitters: Pathogenic (3). 1 of the submissions does not count toward it. Last evaluated 2024-02-19.

Conditions:
Patterned dystrophy of the retinal pigment epithelium (MDPT1). Identifiers: Orphanet 63454, MedGen C1868569, MONDO:0018973.
Stargardt disease (FFM). Also called: Fundus flavimaculatus; Stargardt's disease. Identifiers: Orphanet 827, MedGen C0271093, MONDO:0019353.
PRPH2-related disorder. Also called: PRPH2-related disorders; PRPH2-related condition. Identifiers: MedGen CN239395.

Submissions (4):

Labcorp Genetics (formerly Invitae), Labcorp
Classification: Pathogenic for PRPH2-related disorder. Last evaluated: 2024-02-19. Review status: criteria provided, single submitter. Criteria: Invitae Variant Classification Sherloc (09022015). Collection method: clinical testing. Allele origin: germline.
Comment: This sequence change creates a premature translational stop signal (p.Ile104Valfs*34) in the PRPH2 gene. It is expected to result in an absent or disrupted protein product. Loss-of-function variants in PRPH2 are known to be pathogenic (PMID: 8111389, 8485575, 8485576, 8675410, 16916875, 17504850, 22863181, 25675413, 26061163, 27365499, 29555955, 33546218). This variant is not present in population databases (gnomAD no frequency). This premature translational stop signal has been observed in individual(s) with PRPH2-related conditions (PMID: 26024099, 29555955; Invitae). ClinVar contains an entry for this variant (Variation ID: 958838). For these reasons, this variant has been classified as Pathogenic.

NEI Ophthalmic Genomics Laboratory, National Institutes of Health
Classification: Pathogenic for Patterned dystrophy of the retinal pigment epithelium. Last evaluated: 2020-01-07. Review status: criteria provided, single submitter. Criteria: ACMG Guidelines, 2015. Collection method: clinical testing. Allele origin: germline. Affected: yes.
Comment: The variant NM_000322.4:c.310_313del in the PRPH2 gene has been previously studied (PMID 25082885). We found this variant in 2 patient(s) in a PRPH2 cohort study (Reeves et al. 2020). This variant is not listed in dbSNP and/or HGMD. It is absent in gnomAD browser. It is enriched in the PRPH2 disease cohort. We invoked ACMG criteria [PVS1, PS4, PM2] and classified NM_000322.4:c.310_313del in the PRPH2 gene as a Pathogenic mutation.

NEI Ophthalmic Genomics Laboratory, National Institutes of Health
Classification: Pathogenic for Stargardt disease. Last evaluated: 2020-01-07. Review status: criteria provided, single submitter. Criteria: ACMG Guidelines, 2015. Collection method: clinical testing. Allele origin: germline. Affected: yes.
Comment: the same text as in the submission from NEI Ophthalmic Genomics Laboratory, National Institutes of Health above.

Leiden Open Variation Database
Classification: Pathogenic. Last evaluated: 2021-04-06. Review status: no assertion criteria provided. Collection method: curation. Allele origin: germline. Affected: yes. Not counted in ClinVar's aggregate classification.
Comment: Curator: Global Variome, with Curator vacancy. Submitters to LOVD: LOVD, Manon Peeters.

Literature cited by the submitters: PubMed 8111389 (cited by Labcorp Genetics (formerly Invitae), Labcorp); PubMed 8485575 (cited by Labcorp Genetics (formerly Invitae), Labcorp); PubMed 8485576 (cited by Labcorp Genetics (formerly Invitae), Labcorp); PubMed 8675410 (cited by Labcorp Genetics (formerly Invitae), Labcorp); PubMed 16916875 (cited by Labcorp Genetics (formerly Invitae), Labcorp); PubMed 17504850 (cited by Labcorp Genetics (formerly Invitae), Labcorp); PubMed 22863181 (cited by Labcorp Genetics (formerly Invitae), Labcorp); PubMed 25675413 (cited by Labcorp Genetics (formerly Invitae), Labcorp); PubMed 26061163 (cited by Labcorp Genetics (formerly Invitae), Labcorp); PubMed 27365499 (cited by Labcorp Genetics (formerly Invitae), Labcorp); PubMed 29555955 (cited by Labcorp Genetics (formerly Invitae), Labcorp and Leiden Open Variation Database); PubMed 33546218 (cited by Labcorp Genetics (formerly Invitae), Labcorp); PubMed 26024099 (cited by Labcorp Genetics (formerly Invitae), Labcorp); PubMed 25082885 (cited by Leiden Open Variation Database); PubMed 32531846 (cited by Leiden Open Variation Database).

NM_000322.5(PRPH2):c.310_313del (p.Ile104fs)

Gene: PRPH2 (peripherin 2; minus strand). Cytogenetic location: 6p21.1.
Variant type: Deletion.
Coding change: c.310_313del on transcript NM_000322.5 (MANE Select); coding-DNA positions 310 to 313, 4 bases deleted (ATCT; older notation c.310_313delATCT).
Protein change: p.Ile104fs; shifts the reading frame from isoleucine 104.
Molecular consequence: frameshift variant.
Genome position (GRCh38, 1-based): chr6:42,722,022-42,722,025, AGAT deleted on the plus strand (ATCT on the coding strand, the reverse complement: PRPH2 is on the minus strand); deleting any 4 consecutive bases within chr6:42,722,022-42,722,027 gives the same sequence; the c. name uses the placement nearest the transcript's 3' end. VCF-style (leftmost placement, unchanged base first): chr6-42722021-CAGAT-C. GRCh37 (hg19) VCF-style: chr6-42689759-CAGAT-C.
Other names: short protein forms I104fs.
Identifiers: ClinVar variation 958838 (VCV000958838.11), dbSNP rs1761913253, ClinGen allele CA1139659527.
Genomic context (GRCh38, chr6:42,722,021, plus strand): 5'-GAGCCCCGAAGCAGAAAGCAGCAGAGAGCCACAAGGAAGAGGATGATGTTGAAGAGAACA[CAGAT>C]AGCCAGGTACGGCTTCAGCCAGGGCTTCCATCTGGCATACTTGGCTGGGTCCAGGGCGTC-3'